The following is an entry in ClinVar:

ClinVar aggregate classification (germline): Likely pathogenic (1 of 4 stars; one submission).

Submission:

Dasa
Classification: Likely pathogenic. Last evaluated: 2025-06-07. Review status: criteria provided, single submitter. Criteria: DASA Assertion Criteria. Collection method: clinical testing. Allele origin: germline.
Comment: NM_017777.4(MKS1):c.1024+2T>C affects a canonical splice site and is predicted to disrupt normal RNA splicing. Loss of function is an established disease mechanism for MKS1-associated disorders. This variant affects a canonical splice-site context with prior evidence supporting clinical relevance. Also, this variant is absent from population databases. Based on the currently available evidence, this variant is classified as likely pathogenic.

NM_017777.4(MKS1):c.1024+2T>C

Gene: MKS1 (MKS transition zone complex subunit 1; minus strand). Cytogenetic location: 17q22.
Variant type: single nucleotide variant.
Coding change: c.1024+2T>C on transcript NM_017777.4 (MANE Select); the canonical splice donor site of the intron after coding-DNA position 1024, T replaced by C.
Molecular consequence: splice donor variant.
Genome position (GRCh38, 1-based): chr17:58,210,657, A>G on the plus strand (T>C on the coding strand, the complement: MKS1 is on the minus strand). VCF-style: chr17-58210657-A-G. GRCh37 (hg19) VCF-style: chr17-56288018-A-G.
Other names: c.415+2T>C (NM_001321268.2); c.1024+2T>C (NM_001330397.2, NM_001321269.2, NM_001411113.1).
Identifiers: ClinVar variation 4886404 (VCV004886404.2).